The following is an entry in ClinVar:

ClinVar aggregate classification (germline): Benign/Likely benign. Review status: criteria provided, multiple submitters, no conflicts (2 of 4 stars). 6 submissions from 6 submitters: Benign (2); Likely benign (1). 3 of the submissions do not count toward it. Last evaluated 2026-01-01.

Conditions:
PITPNM3-related disorder. Also called: PITPNM3-related condition.
Cone-rod dystrophy 5 (CORD5). Identifiers: Orphanet 1872, MedGen C1832976, MONDO:0010969, OMIM 600977.

Allele frequency attached by ClinVar (database versions not stated): gnomAD exomes 0.00045; ExAC 0.00051; ESP Exome Variant Server 0.00108; gnomAD 0.00150 and 0.00158; 1000 Genomes Project 0.00160; TOPMed 0.00168; 1000 Genomes Project 30x 0.00219.
gnomAD v4.1: 487 of 1,611,914 alleles (0.03%); highest among the groups gnomAD compares: African/African-American, 0.53%; 1 homozygote.

Submissions (6):

Labcorp Genetics (formerly Invitae), Labcorp
Classification: Benign. Last evaluated: 2026-01-01. Review status: criteria provided, single submitter. Criteria: Invitae Variant Classification Sherloc (09022015). Collection method: clinical testing. Allele origin: germline.

Blueprint Genetics
Classification: Likely benign. Last evaluated: 2024-09-11. Review status: criteria provided, single submitter. Criteria: ACMG Guidelines, 2015. Collection method: clinical testing. Allele origin: germline.

Illumina Laboratory Services, Illumina
Classification: Benign for Cone-rod dystrophy 5. Last evaluated: 2018-01-12. Review status: criteria provided, single submitter. Criteria: ICSL Variant Classification Criteria 13 December 2019. Collection method: clinical testing. Allele origin: germline.
Comment: This variant was observed in the ICSL laboratory as part of a predisposition screen in an ostensibly healthy population. It had not been previously curated by ICSL or reported in the Human Gene Mutation Database (HGMD: prior to June 1st, 2018), and was therefore a candidate for classification through an automated scoring system. Utilizing variant allele frequency, disease prevalence and penetrance estimates, and inheritance mode, an automated score was calculated to assess if this variant is too frequent to cause the disease. Based on the score and internal cut-off values, a variant classified as benign is not then subjected to further curation. The score for this variant resulted in a classification of benign for this disease.

PreventionGenetics, part of Exact Sciences
Classification: Likely benign for PITPNM3-related condition. Last evaluated: 2019-04-16. Review status: no assertion criteria provided. Collection method: clinical testing. Allele origin: germline. Not counted in ClinVar's aggregate classification.
Comment: This variant is classified as likely benign based on ACMG/AMP sequence variant interpretation guidelines (Richards et al. 2015 PMID: 25741868, with internal and published modifications).

Clinical Genetics DNA and cytogenetics Diagnostics Lab, Erasmus MC, Erasmus Medical Center
Classification: Likely benign. Review status: no assertion criteria provided. Collection method: clinical testing. Allele origin: germline. Affected: yes. Study: VKGL Data-share Consensus. Not counted in ClinVar's aggregate classification.

Clinical Genetics, Academic Medical Center
Classification: Likely benign. Review status: no assertion criteria provided. Collection method: clinical testing. Allele origin: germline. Affected: yes. Study: VKGL Data-share Consensus. Not counted in ClinVar's aggregate classification.

NM_031220.4(PITPNM3):c.330C>T (p.Ile110=)

Gene: PITPNM3 (PITPNM family member 3; minus strand). Cytogenetic location: 17p13.2.
Variant type: single nucleotide variant.
Coding change: c.330C>T on transcript NM_031220.4 (MANE Select); coding-DNA position 330, C replaced by T.
Protein change: p.Ile110=; no amino-acid change (isoleucine 110 retained).
Molecular consequence: synonymous variant.
Genome position (GRCh38, 1-based): chr17:6,484,237, G>A on the plus strand (C>T on the coding strand, the complement: PITPNM3 is on the minus strand). VCF-style: chr17-6484237-G-A. GRCh37 (hg19) VCF-style: chr17-6387557-G-A.
Other names: c.222C>T, p.Ile74= (NM_001165966.2).
Identifiers: ClinVar variation 324765 (VCV000324765.19), dbSNP rs141380388, ClinGen allele CA8329872.